The following is an entry in ClinVar:

ClinVar aggregate classification (germline): Pathogenic/Likely pathogenic. Review status: criteria provided, multiple submitters, no conflicts (2 of 4 stars). 3 submissions from 3 submitters: Pathogenic (1); Likely pathogenic (1). 1 of the submissions does not count toward it. Last evaluated 2023-06-27.

Conditions:
Mucopolysaccharidosis, MPS-IV-A (MPS4A). Also called: Mucopolysaccharidosis type IV A; Mucopolysaccharidosis Type IVA; Morquio syndrome A, mild; MORQUIO SYNDROME A; MPS IVA; mucopolysaccharidosis type 4A. Identifiers: Orphanet 309297, Orphanet 582, MedGen C0086651, MONDO:0009659, OMIM 253000.

Allele frequency attached by ClinVar (database versions not stated): gnomAD exomes below 0.00001.
gnomAD v4.1: 1 of 1,613,940 alleles (0.000062%); highest among the groups gnomAD compares: South Asian, 0.0011%; no homozygotes.

Submissions (3):

Labcorp Genetics (formerly Invitae), Labcorp
Classification: Pathogenic for Mucopolysaccharidosis, MPS-IV-A. Last evaluated: 2023-06-27. Review status: criteria provided, single submitter. Criteria: Invitae Variant Classification Sherloc (09022015). Collection method: clinical testing. Allele origin: germline.
Comment: For these reasons, this variant has been classified as Pathogenic. This variant disrupts a region of the GALNS protein in which other variant(s) (p.Trp520*) have been determined to be pathogenic (PMID: 24035930, 24726177). This suggests that this is a clinically significant region of the protein, and that variants that disrupt it are likely to be disease-causing. Studies have shown that disruption of this splice site results in skipping of exon 5 and introduces a premature termination codon (PMID: 9290256). The resulting mRNA is expected to undergo nonsense-mediated decay. ClinVar contains an entry for this variant (Variation ID: 1048402). This variant is also known as IVS 4(-1) G>A. Disruption of this splice site has been observed in individual(s) with clinical features of autosomal recessive mucopolysaccharidosis IVA (PMID: 9290256). This variant is not present in population databases (gnomAD no frequency). This sequence change affects an acceptor splice site in intron 4 of the GALNS gene. RNA analysis indicates that disruption of this splice site induces altered splicing and may result in an absent or disrupted protein product.

Laboratory of Diagnosis and Therapy of Lysosomal Disorders, University of Padova
Classification: Likely pathogenic for Mucopolysaccharidosis, MPS-IV-A. Last evaluated: 2021-02-01. Review status: criteria provided, single submitter. Criteria: ACMG Guidelines, 2015. Collection method: curation. Allele origin: germline. Affected: yes.
Comment: Splicing variant in canonical site (PVS1_very strong); absent from gnomAD v2.1.1 (PM2_moderate)

Molecular Biology Laboratory, Department of Zoology, Quaid-i-azam University
Classification: association not found for Mucopolysaccharidosis, MPS-IV-A. Review status: no assertion criteria provided. Collection method: research. Allele origin: inherited. Inheritance: Autosomal recessive inheritance. Affected: yes. Not counted in ClinVar's aggregate classification.

Literature cited by the submitters: PubMed 24035930 (cited by Labcorp Genetics (formerly Invitae), Labcorp); PubMed 24726177 (cited by Labcorp Genetics (formerly Invitae), Labcorp); PubMed 9290256 (cited by Labcorp Genetics (formerly Invitae), Labcorp and Laboratory of Diagnosis and Therapy of Lysosomal Disorders, University of Padova); PubMed 9521421 (cited by Laboratory of Diagnosis and Therapy of Lysosomal Disorders, University of Padova); PubMed 34387910 (cited by Laboratory of Diagnosis and Therapy of Lysosomal Disorders, University of Padova).

NM_000512.5(GALNS):c.423-1G>A

Gene: GALNS (galactosamine (N-acetyl)-6-sulfatase; minus strand). Cytogenetic location: 16q24.3.
Variant type: single nucleotide variant.
Coding change: c.423-1G>A on transcript NM_000512.5 (MANE Select); the canonical splice acceptor site of the intron before coding-DNA position 423, G replaced by A.
Molecular consequence: splice acceptor variant.
Genome position (GRCh38, 1-based): chr16:88,837,766, C>T on the plus strand (G>A on the coding strand, the complement: GALNS is on the minus strand). VCF-style: chr16-88837766-C-T. GRCh37 (hg19) VCF-style: chr16-88904174-C-T.
Other names: c.-133-1G>A (NM_001323543.2); c.441-1G>A (NM_001323544.2).
Identifiers: ClinVar variation 1048402 (VCV001048402.7), dbSNP rs2143002474, ClinGen allele CA397083907.
Genomic context (GRCh38, chr16:88,837,766, plus strand): 5'-CCAAACCACTCATCAAATCCGTGCTTCAGGGGGTGGAACTGGGGCCTGTGACCCAGATGC[C>T]TGGAAACAGGAACCCAGGACACTTCAGGGACCCCACGTGGGGACACTCGGAAGTTCTGAG-3'